The following is an entry in ClinVar:

NM_003068.5(SNAI2):c.-2A>C

Gene: SNAI2 (snail family transcriptional repressor 2; minus strand). Cytogenetic location: 8q11.21.
Variant type: single nucleotide variant.
Coding change: c.-2A>C on transcript NM_003068.5 (MANE Select); 2 bases upstream of the start codon, A replaced by C.
Molecular consequence: 5 prime UTR variant.
Genome position (GRCh38, 1-based): chr8:48,921,267, T>G on the plus strand (A>C on the coding strand, the complement: SNAI2 is on the minus strand). VCF-style: chr8-48921267-T-G. GRCh37 (hg19) VCF-style: chr8-49833826-T-G.
Identifiers: ClinVar variation 4988338 (VCV004988338.1).
Genomic context (GRCh38, chr8:48,921,267, plus strand): 5'-CTGTAGTTTGGCTTTTTGGAGGCGTTGAAATGCTTCTTGACCAGGAAGGAGCGCGGCATC[T>G]TGCCAGCGGGTCTGGCGGGCGCCCGGCGCGGATAACGGTCCGGCGGGAGGACACGGCGGT-3'

ClinVar aggregate classification (germline): Likely benign (1 of 4 stars; one submission).

Conditions:
SNAI2-related disorder. Also called: SNAI2-related condition.

Submission:

PreventionGenetics, part of Exact Sciences
Classification: Likely benign for SNAI2-related condition. Last evaluated: 2026-08-13. Review status: criteria provided, single submitter. Criteria: ACMG Guidelines, 2015. Collection method: clinical testing. Allele origin: germline.
Comment: This variant is classified as likely benign based on ACMG/AMP sequence variant interpretation guidelines (Richards et al. 2015 PMID: 25741868, with internal and published modifications).